The following is an entry in ClinVar:

NM_007294.4(BRCA1):c.5153-28T>A

Gene: BRCA1 (BRCA1 DNA repair associated; minus strand). Cytogenetic location: 17q21.31.
Variant type: single nucleotide variant.
Coding change: c.5153-28T>A on transcript NM_007294.4 (MANE Select); 28 bases into the intron before coding-DNA position 5153, T replaced by A.
Molecular consequence: intron variant.
Genome position (GRCh38, 1-based): chr17:43,063,401, A>T on the plus strand (T>A on the coding strand, the complement: BRCA1 is on the minus strand). VCF-style: chr17-43063401-A-T. GRCh37 (hg19) VCF-style: chr17-41215418-A-T.
Other names: c.1700-28T>A (NM_001408458.1, NM_001408461.1, NM_001408464.1 and 7 more transcripts); c.4262-28T>A (NM_001407967.1); c.4772-28T>A (NM_001407959.1); c.4886-28T>A (NM_001407931.1, NM_001407932.1, NM_001407928.1 and 4 more transcripts); c.5009-28T>A (NM_001407747.1, NM_001407745.1, NM_001407737.1 and 21 more transcripts); c.4769-28T>A (NM_001407962.1, NM_001407960.1); c.1340-28T>A (NM_001408512.1); c.1463-28T>A (NM_001408510.1); and 72 more.
Identifiers: ClinVar variation 867409 (VCV000867409.3), dbSNP rs2051878945, ClinGen allele CA916080109.
Genomic context (GRCh38, chr17:43,063,401, plus strand): 5'-GCATTTTTCTTTCTTTAATAGACTGGGTCACCCCTAAAGAGATCATAGAAAAGACAGGTT[A>T]CATACAGCAGAAGAACGTGCTCTTTTCACGGAGATAGAGAGGTCAGCGATTCACAAAAGA-3'

Conditions:
Breast-ovarian cancer, familial, susceptibility to, 1 (BROVCA1). Also called: BRCA1 Hereditary Breast and Ovarian Cancer; OVARIAN CANCER, SUSCEPTIBILITY TO. Identifiers: Orphanet 145, MedGen C2676676, MONDO:0011450, OMIM 604370. Disease mechanism: loss of function.

Submission:

Brotman Baty Institute, University of Washington
No classification provided (evidence only). Condition: Breast-ovarian cancer, familial 1. Review status: no classification provided. Collection method: in vitro. Allele origin: not applicable. Functional consequence: functionally_normal.
ClinVar note: "not provided" was previously submitted as the classification for the variant. However, the classification appeared to be based only on an observation of functional data so it was converted to no classification on 2025-07-30.